The following is an entry in ClinVar:

ClinVar aggregate classification (germline): Uncertain significance (1 of 4 stars; one submission).

Submission:

Ambry Genetics
Classification: Uncertain significance. Last evaluated: 2023-08-29. Review status: criteria provided, single submitter. Criteria: Ambry Variant Classification Scheme 2023. Collection method: clinical testing. Allele origin: germline.
Comment: The p.P1183S variant (also known as c.3547C>T), located in coding exon 31 of the KIF1B gene, results from a C to T substitution at nucleotide position 3547. The proline at codon 1183 is replaced by serine, an amino acid with similar properties. This amino acid position is conserved. In addition, the in silico prediction for this alteration is inconclusive. Since supporting evidence is limited at this time, the clinical significance of this alteration remains unclear.

NM_001365951.3(KIF1B):c.3685C>T (p.Pro1229Ser)

Gene: KIF1B (kinesin family member 1B; plus strand). Cytogenetic location: 1p36.22.
Variant type: single nucleotide variant.
Coding change: c.3685C>T on transcript NM_001365951.3 (MANE Select); coding-DNA position 3685, C replaced by T.
Protein change: p.Pro1229Ser; replaces proline 1229 with serine.
Molecular consequence: missense variant.
Genome position (GRCh38, 1-based): chr1:10,343,284, C>T. VCF-style: chr1-10343284-C-T. GRCh37 (hg19) VCF-style: chr1-10403342-C-T.
Other names: c.3685C>T, p.Pro1229Ser (NM_001365952.1); c.3547C>T, p.Pro1183Ser (NM_015074.3); short protein forms P1229S, P1183S.
Identifiers: ClinVar variation 2625737 (VCV002625737.2), dbSNP rs2521760731, ClinGen allele CA338342167.
Genomic context (GRCh38, chr1:10,343,284, plus strand): 5'-CTTTGCAGTCCGCCTCAGCCGTGCCGCCGATTCTTCCCTCCACCCATGCCACTGTCCAAG[C>T]CAGGTGAGCACTCGCTCCGCTTTTTGCATGATGATCTCTTTGTGAATACATGTCTTATTC-3'
Protein context (NP_001352880.1, residues 1219-1239): FFPPPMPLSK[Pro1229Ser]VPATKLNTMS